The following is an entry in ClinVar:

NM_001122630.2(CDKN1C):c.498_521dup (p.Ala174_Pro175insLeuAlaProAlaProAlaProAla)

Gene: CDKN1C (cyclin dependent kinase inhibitor 1C; minus strand). Cytogenetic location: 11p15.4.
Variant type: Duplication.
Coding change: c.498_521dup on transcript NM_001122630.2 (MANE Select); coding-DNA positions 498 to 521, 24 bases duplicated (CCTGGCCCCGGCCCCGGCCCCGGC).
Protein change: p.Ala174_Pro175insLeuAlaProAlaProAlaProAla.
Molecular consequence: inframe insertion. On other transcripts: intron variant (1).
Genome position (GRCh38, 1-based): chr11:2,884,936-2,884,959, GCCGGGGCCGGGGCCGGGGCCAGG duplicated on the plus strand (CCTGGCCCCGGCCCCGGCCCCGGC on the coding strand, the reverse complement: CDKN1C is on the minus strand). VCF-style (leftmost placement, unchanged base first): chr11-2884935-A-AGCCGGGGCCGGGGCCGGGGCCAGG. GRCh37 (hg19) VCF-style: chr11-2906165-A-AGCCGGGGCCGGGGCCGGGGCCAGG.
Other names: c.531_554dup, p.Ala185_Pro186insLeuAlaProAlaProAlaProAla (NM_000076.2, NM_001362474.2); c.498_521dup, p.Ala174_Pro175insLeuAlaProAlaProAlaProAla (NM_001122631.2); c.255+243_255+266dup (NM_001362475.2).
Identifiers: ClinVar variation 4731597 (VCV004731597.1).

ClinVar aggregate classification (germline): Uncertain significance (1 of 4 stars; one submission).

Conditions:
Beckwith-Wiedemann syndrome (BWS). Also called: Exomphalos macroglossia gigantism syndrome; EMG SYNDROME. Identifiers: Orphanet 116, MedGen C0004903, MONDO:0007534, OMIM 130650.

Submission:

Labcorp Genetics (formerly Invitae), Labcorp
Classification: Uncertain significance for Beckwith-Wiedemann syndrome. Last evaluated: 2025-11-20. Review status: criteria provided, single submitter. Criteria: Invitae Variant Classification Sherloc (09022015). Collection method: clinical testing. Allele origin: germline.
Comment: This variant, c.531_554dup, results in the insertion of 8 amino acid(s) of the CDKN1C protein (p.Leu178_Ala185dup), but otherwise preserves the integrity of the reading frame. The frequency data for this variant in the population databases is considered unreliable, as metrics indicate insufficient coverage at this position in the gnomAD database. This variant has not been reported in the literature in individuals affected with CDKN1C-related conditions. Experimental studies and prediction algorithms are not available or were not evaluated, and the functional significance of this variant is currently unknown. In summary, the available evidence is currently insufficient to determine the role of this variant in disease. Therefore, it has been classified as a Variant of Uncertain Significance.